The following is an entry in ClinVar:

ClinVar aggregate classification (germline): Pathogenic (1 of 4 stars; one submission).

Conditions:
Hereditary hemochromatosis (HFE). Identifiers: MedGen C0392514, MONDO:0006507. Disease mechanism: loss of function.

Submission:

Labcorp Genetics (formerly Invitae), Labcorp
Classification: Pathogenic for Hereditary hemochromatosis. Last evaluated: 2024-02-16. Review status: criteria provided, single submitter. Criteria: Invitae Variant Classification Sherloc (09022015). Collection method: clinical testing. Allele origin: germline.
Comment: This sequence change creates a premature translational stop signal (p.Ser107Profs*69) in the TFR2 gene. It is expected to result in an absent or disrupted protein product. Loss-of-function variants in TFR2 are known to be pathogenic (PMID: 23600741, 26029709). This variant is not present in population databases (gnomAD no frequency). This variant has not been reported in the literature in individuals affected with TFR2-related conditions. ClinVar contains an entry for this variant (Variation ID: 1355498). For these reasons, this variant has been classified as Pathogenic.

Literature cited by the submitters: PubMed 23600741; PubMed 26029709.

NM_003227.4(TFR2):c.318del (p.Ser107fs)

Gene: TFR2 (transferrin receptor 2; minus strand). Cytogenetic location: 7q22.1.
Variant type: Deletion.
Coding change: c.318del on transcript NM_003227.4 (MANE Select); coding-DNA position 318, one base deleted (G; older notation c.318delG).
Protein change: p.Ser107fs; shifts the reading frame from serine 107.
Molecular consequence: frameshift variant.
Genome position (GRCh38, 1-based): chr7:100,640,841, C deleted on the plus strand (G on the coding strand, the reverse complement: TFR2 is on the minus strand); the first of 3 consecutive C bases (chr7:100,640,841-100,640,843); deleting any one gives the same sequence. VCF-style (leftmost placement, unchanged base first): chr7-100640840-AC-A. GRCh37 (hg19) VCF-style: chr7-100238463-AC-A.
Other names: short protein forms S107fs.
Identifiers: ClinVar variation 1355498 (VCV001355498.6), dbSNP rs2131327564, ClinGen allele CA2573141357.